The following is an entry in ClinVar:

ClinVar aggregate classification (germline): Uncertain significance (1 of 4 stars; one submission).

Conditions:
Hereditary spastic paraplegia 31. Also called: SPASTIC PARAPLEGIA 31, AUTOSOMAL DOMINANT. Identifiers: Orphanet 101011, MedGen C1853247, MONDO:0012453, OMIM 610250.

Submission:

Labcorp Genetics (formerly Invitae), Labcorp
Classification: Uncertain significance for Hereditary spastic paraplegia 31. Last evaluated: 2023-02-25. Review status: criteria provided, single submitter. Criteria: Invitae Variant Classification Sherloc (09022015). Collection method: clinical testing. Allele origin: germline.
Comment: This sequence change replaces serine, which is neutral and polar, with proline, which is neutral and non-polar, at codon 97 of the REEP1 protein (p.Ser97Pro). This variant is not present in population databases (gnomAD no frequency). This variant has not been reported in the literature in individuals affected with REEP1-related conditions. ClinVar contains an entry for this variant (Variation ID: 578828). An algorithm developed to predict the effect of missense changes on protein structure and function (PolyPhen-2) suggests that this variant is likely to be disruptive. In summary, the available evidence is currently insufficient to determine the role of this variant in disease. Therefore, it has been classified as a Variant of Uncertain Significance.

NM_001371279.1(REEP1):c.289T>C (p.Ser97Pro)

Gene: REEP1 (receptor accessory protein 1; minus strand). Cytogenetic location: 2p11.2.
Variant type: single nucleotide variant.
Coding change: c.289T>C on transcript NM_001371279.1 (MANE Select); coding-DNA position 289, T replaced by C.
Protein change: p.Ser97Pro; replaces serine 97 with proline.
Molecular consequence: missense variant. On other transcripts: intron variant (1).
Genome position (GRCh38, 1-based): chr2:86,254,708, A>G on the plus strand (T>C on the coding strand, the complement: REEP1 is on the minus strand). VCF-style: chr2-86254708-A-G. GRCh37 (hg19) VCF-style: chr2-86481831-A-G.
Other names: c.289T>C, p.Ser97Pro (NM_022912.3, NM_001371280.1); c.182+9257T>C (NM_001164732.2); c.208T>C, p.Ser70Pro (NM_001164731.2); c.310T>C, p.Ser104Pro (NM_001164730.2); short protein forms S104P, S97P, S70P.
Identifiers: ClinVar variation 578828 (VCV000578828.8), dbSNP rs1558891694, ClinGen allele CA347716997.